The following is an entry in ClinVar:

NM_002103.5(GYS1):c.1882_1883delinsCT (p.Ala628Leu)

Gene: GYS1 (glycogen synthase 1; minus strand). Cytogenetic location: 19q13.33.
Variant type: Indel.
Coding change: c.1882_1883delinsCT on transcript NM_002103.5 (MANE Select); coding-DNA positions 1882 to 1883, GC replaced by CT.
Protein change: p.Ala628Leu; replaces alanine 628 with leucine.
Molecular consequence: missense variant. On other transcripts: non-coding transcript variant (1).
Genome position (GRCh38, 1-based): chr19:48,969,782-48,969,783, GC replaced by AG on the plus strand (GC replaced by CT on the coding strand, the reverse complement: GYS1 is on the minus strand). VCF-style: chr19-48969782-GC-AG. GRCh37 (hg19) VCF-style: chr19-49473039-GC-AG.
Other names: c.1690_1691delinsCT, p.Ala564Leu (NM_001161587.2); short protein forms A564L, A628L.
Identifiers: ClinVar variation 1381048 (VCV001381048.6), dbSNP rs2122454338, ClinGen allele CA2573156635.

ClinVar aggregate classification (germline): Uncertain significance (1 of 4 stars; one submission).

Conditions:
Glycogen storage disease due to muscle and heart glycogen synthase deficiency. Also called: MUSCLE GLYCOGEN SYNTHASE DEFICIENCY; GSD 0b. Identifiers: Orphanet 137625, MedGen C1969054, MONDO:0012693, OMIM 611556.

Submission:

Labcorp Genetics (formerly Invitae), Labcorp
Classification: Uncertain significance for Glycogen storage disease due to muscle and heart glycogen synthase deficiency. Last evaluated: 2023-07-07. Review status: criteria provided, single submitter. Criteria: Invitae Variant Classification Sherloc (09022015). Collection method: clinical testing. Allele origin: germline.
Comment: This variant has not been reported in the literature in individuals affected with GYS1-related conditions. Information on the frequency of this variant in the gnomAD database is not available, as this variant may be reported differently in the database. This variant, c.1882_1883delinsCT, is a complex sequence change that results in the deletion of 1 and insertion of 1 amino acid(s) in the GYS1 protein (p.Ala628Leu). ClinVar contains an entry for this variant (Variation ID: 1381048). An algorithm developed to predict the effect of missense changes on protein structure and function (PolyPhen-2) suggests that this variant is likely to be tolerated. In summary, the available evidence is currently insufficient to determine the role of this variant in disease. Therefore, it has been classified as a Variant of Uncertain Significance.